The following is an entry in ClinVar:

ClinVar aggregate classification (germline): Uncertain significance (1 of 4 stars; one submission).

Conditions:
Cardiovascular phenotype. Identifiers: MedGen CN230736.

Submission:

Ambry Genetics
Classification: Uncertain significance for Cardiovascular phenotype. Last evaluated: 2024-02-16. Review status: criteria provided, single submitter. Criteria: Ambry Variant Classification Scheme 2023. Collection method: clinical testing. Allele origin: germline.
Comment: The p.P289A variant (also known as c.865C>G), located in coding exon 4 of the RASA1 gene, results from a C to G substitution at nucleotide position 865. The proline at codon 289 is replaced by alanine, an amino acid with highly similar properties. This amino acid position is conserved. In addition, the in silico prediction for this alteration is inconclusive. Based on the available evidence, the clinical significance of this alteration remains unclear.

NM_002890.3(RASA1):c.865C>G (p.Pro289Ala)

Genes: CCNH (cyclin H; minus strand), RASA1 (RAS p21 protein activator 1; plus strand). Cytogenetic location: 5q14.3.
Variant type: single nucleotide variant.
Coding change: c.865C>G on transcript NM_002890.3 (MANE Select); coding-DNA position 865, C replaced by G.
Protein change: p.Pro289Ala; replaces proline 289 with alanine.
Molecular consequence: missense variant. On other transcripts: intron variant (1).
Genome position (GRCh38, 1-based): chr5:87,333,303, C>G. VCF-style: chr5-87333303-C-G. GRCh37 (hg19) VCF-style: chr5-86629120-C-G.
Other names: c.934-20508G>C (NM_001364075.2); c.334C>G, p.Pro112Ala (NM_022650.3); short protein forms P112A, P289A.
Identifiers: ClinVar variation 3222919 (VCV003222919.1), dbSNP rs2531194891, ClinGen allele CA360378521.